The following is an entry in ClinVar:

ClinVar aggregate classification (germline): Uncertain significance (1 of 4 stars; one submission).

Conditions:
Cardiovascular phenotype. Identifiers: MedGen CN230736.

gnomAD v4.1: 3 of 1,612,424 alleles (0.00019%); highest among the groups gnomAD compares: Non-Finnish European, 0.00017%; no homozygotes.

Submission:

Ambry Genetics
Classification: Uncertain significance for Cardiovascular phenotype. Last evaluated: 2026-01-17. Review status: criteria provided, single submitter. Criteria: Ambry Variant Classification Scheme 2023. Collection method: clinical testing. Allele origin: germline.
Comment: The p.Y3228H variant (also known as c.9682T>C), located in coding exon 27 of the TNXB gene, results from a T to C substitution at nucleotide position 9682. The tyrosine at codon 3228 is replaced by histidine, an amino acid with similar properties. This amino acid position is conserved. In addition, this alteration is predicted to be deleterious by in silico analysis. Based on the available evidence, the clinical significance of this variant remains unclear.

NM_001365276.2(TNXB):c.9688T>C (p.Tyr3230His)

Gene: TNXB (tenascin XB; minus strand). Cytogenetic location: 6p21.33.
Variant type: single nucleotide variant.
Coding change: c.9688T>C on transcript NM_001365276.2 (MANE Select); coding-DNA position 9688, T replaced by C.
Protein change: p.Tyr3230His; replaces tyrosine 3230 with histidine.
Molecular consequence: missense variant.
Genome position (GRCh38, 1-based): chr6:32,049,339, A>G on the plus strand (T>C on the coding strand, the complement: TNXB is on the minus strand). VCF-style: chr6-32049339-A-G. GRCh37 (hg19) VCF-style: chr6-32017116-A-G.
Other names: c.10429T>C, p.Tyr3477His (NM_001428335.1); c.9682T>C, p.Tyr3228His (NM_019105.8); short protein forms Y3477H, Y3228H, Y3230H.
Identifiers: ClinVar variation 4824395 (VCV004824395.1).